The following is an entry in ClinVar:

ClinVar aggregate classification (germline): Uncertain significance (1 of 4 stars; one submission).

Conditions:
Hereditary nonpolyposis colorectal neoplasms. Identifiers: MedGen C0009405, MeSH D003123.

Submission:

Labcorp Genetics (formerly Invitae), Labcorp
Classification: Uncertain significance for Hereditary nonpolyposis colorectal neoplasms. Last evaluated: 2025-11-09. Review status: criteria provided, single submitter. Criteria: Invitae Variant Classification Sherloc (09022015). Collection method: clinical testing. Allele origin: germline.
Comment: This sequence change replaces threonine, which is neutral and polar, with arginine, which is basic and polar, at codon 521 of the MSH6 protein (p.Thr521Arg). This variant is not present in population databases (gnomAD no frequency). This variant has not been reported in the literature in individuals affected with MSH6-related conditions. Invitae Evidence Modeling of protein sequence and biophysical properties (such as structural, functional, and spatial information, amino acid conservation, physicochemical variation, residue mobility, and thermodynamic stability) indicates that this missense variant is expected to disrupt MSH6 protein function with a positive predictive value of 95%. In summary, the available evidence is currently insufficient to determine the role of this variant in disease. Therefore, it has been classified as a Variant of Uncertain Significance.

NM_000179.3(MSH6):c.1562C>G (p.Thr521Arg)

Gene: MSH6 (mutS homolog 6; plus strand). Cytogenetic location: 2p16.3.
Variant type: single nucleotide variant.
Coding change: c.1562C>G on transcript NM_000179.3 (MANE Select); coding-DNA position 1562, C replaced by G.
Protein change: p.Thr521Arg; replaces threonine 521 with arginine.
Molecular consequence: missense variant. On other transcripts: non-coding transcript variant (4), intron variant (1).
Genome position (GRCh38, 1-based): chr2:47,799,545, C>G. VCF-style: chr2-47799545-C-G. GRCh37 (hg19) VCF-style: chr2-48026684-C-G.
Other names: c.1172C>G, p.Thr391Arg (NM_001281492.2); c.656C>G, p.Thr219Arg (NM_001281493.2, NM_001281494.2, NM_001406811.1 and 6 more transcripts); c.1658C>G, p.Thr553Arg (NM_001406795.1, NM_001406802.1); c.1562C>G, p.Thr521Arg (NM_001406796.1, NM_001406798.1, NM_001406800.1 and 4 more transcripts); c.1265C>G, p.Thr422Arg (NM_001406797.1, NM_001406801.1, NM_001406805.1 and 10 more transcripts); c.1037C>G, p.Thr346Arg (NM_001406799.1, NM_001406806.1, NM_001406807.1); c.1484C>G, p.Thr495Arg (NM_001406804.1); c.1568C>G, p.Thr523Arg (NM_001406813.1); and 2 more; short protein forms T219R, T346R, T391R, T422R, T465R, T495R, T521R, T523R.
Identifiers: ClinVar variation 4800200 (VCV004800200.1).